The following is an entry in ClinVar:

ClinVar aggregate classification (germline): Uncertain significance. Review status: criteria provided, multiple submitters, no conflicts (2 of 4 stars). 2 submissions from 2 submitters: Uncertain significance (2). Last evaluated 2025-08-29.

Conditions:
Hereditary cancer-predisposing syndrome. Also called: Tumor predisposition; Hereditary Cancer Syndrome; Neoplastic Syndromes, Hereditary; Hereditary neoplastic syndrome. Identifiers: Orphanet 140162, MedGen C0027672, MeSH D009386, MONDO:0015356.
Familial adenomatous polyposis 1 (FAP1). Also called: FAMILIAL ADENOMATOUS POLYPOSIS 1, ATTENUATED; POLYPOSIS, ADENOMATOUS INTESTINAL. Identifiers: MedGen C2713442, MONDO:0021056, OMIM 175100. Disease mechanism: loss of function.

Submissions (2):

Labcorp Genetics (formerly Invitae), Labcorp
Classification: Uncertain significance for Familial adenomatous polyposis 1. Last evaluated: 2025-08-29. Review status: criteria provided, single submitter. Criteria: Invitae Variant Classification Sherloc (09022015). Collection method: clinical testing. Allele origin: germline.
Comment: This sequence change replaces serine, which is neutral and polar, with phenylalanine, which is neutral and non-polar, at codon 900 of the APC protein (p.Ser900Phe). This variant is not present in population databases (gnomAD no frequency). This variant has not been reported in the literature in individuals affected with APC-related conditions. ClinVar contains an entry for this variant (Variation ID: 1794868). Invitae Evidence Modeling of protein sequence and biophysical properties (such as structural, functional, and spatial information, amino acid conservation, physicochemical variation, residue mobility, and thermodynamic stability) indicates that this missense variant is not expected to disrupt APC protein function with a negative predictive value of 95%. In summary, the available evidence is currently insufficient to determine the role of this variant in disease. Therefore, it has been classified as a Variant of Uncertain Significance.

Ambry Genetics
Classification: Uncertain significance for Hereditary cancer-predisposing syndrome. Last evaluated: 2022-08-09. Review status: criteria provided, single submitter. Criteria: Ambry Variant Classification Scheme 2023. Collection method: clinical testing. Allele origin: germline.
Comment: The p.S900F variant (also known as c.2699C>T), located in coding exon 15 of the APC gene, results from a C to T substitution at nucleotide position 2699. The serine at codon 900 is replaced by phenylalanine, an amino acid with highly dissimilar properties. This amino acid position is conserved. In addition, in silico predictors for this gene do not accurately predict pathogenicity. Since supporting evidence is limited at this time, the clinical significance of this alteration remains unclear.

NM_000038.6(APC):c.2699C>T (p.Ser900Phe)

Gene: APC (APC regulator of Wnt signaling pathway; plus strand). Cytogenetic location: 5q22.2.
Variant type: single nucleotide variant.
Coding change: c.2699C>T on transcript NM_000038.6 (MANE Select); coding-DNA position 2699, C replaced by T.
Protein change: p.Ser900Phe; replaces serine 900 with phenylalanine.
Molecular consequence: missense variant.
Genome position (GRCh38, 1-based): chr5:112,838,293, C>T. VCF-style: chr5-112838293-C-T. GRCh37 (hg19) VCF-style: chr5-112173990-C-T.
Other names: c.2699C>T, p.Ser900Phe (NM_001127510.3, NM_001354895.2, NM_001407450.1); c.2645C>T, p.Ser882Phe (NM_001127511.3); c.2753C>T, p.Ser918Phe (NM_001354896.2, NM_001407447.1, NM_001407448.1 and 1 more transcripts); c.2729C>T, p.Ser910Phe (NM_001354897.2); c.2624C>T, p.Ser875Phe (NM_001354898.2); c.2615C>T, p.Ser872Phe (NM_001354899.2); c.2576C>T, p.Ser859Phe (NM_001354900.2); c.2522C>T, p.Ser841Phe (NM_001354901.2, NM_001407453.1); and 11 more; short protein forms S740F, S799F, S918F, S617F, S817F, S859F, S872F, S890F.
Identifiers: ClinVar variation 1794868 (VCV001794868.3), dbSNP rs2149875557, ClinGen allele CA16027223.
Genomic context (GRCh38, chr5:112,838,293, plus strand): 5'-TCTCCACCACTGCAGCCCAGATTGCCAAAGTCATGGAAGAAGTGTCAGCCATTCATACCT[C>T]TCAGGAAGACAGAAGTTCTGGGTCTACCACTGAATTACATTGTGTGACAGATGAGAGAAA-3'
Protein context (NP_000029.2, residues 890-910): VMEEVSAIHT[Ser900Phe]QEDRSSGSTT